The following is an entry in ClinVar:

ClinVar aggregate classification (germline): Likely benign (1 of 4 stars; one submission).

gnomAD v4.1: 9 of 1,613,630 alleles (0.00056%); highest among the groups gnomAD compares: East Asian, 0.0022%; no homozygotes.

Submission:

CeGaT Center for Human Genetics Tuebingen
Classification: Likely benign. Last evaluated: 2025-11-01. Review status: criteria provided, single submitter. Criteria: CeGaT Center For Human Genetics Tuebingen Variant Classification Criteria Version 2. Collection method: clinical testing. Allele origin: germline. Affected: yes. Observed: 1 variant allele.
Comment: POLR3H: BP4, BP7

NM_001018050.4(POLR3H):c.81C>T (p.Ala27=)

Gene: POLR3H (RNA polymerase III subunit H; minus strand). Cytogenetic location: 22q13.2.
Variant type: single nucleotide variant.
Coding change: c.81C>T on transcript NM_001018050.4 (MANE Select); coding-DNA position 81, C replaced by T.
Protein change: p.Ala27=; no amino-acid change (alanine 27 retained).
Molecular consequence: synonymous variant.
Genome position (GRCh38, 1-based): chr22:41,544,021, G>A on the plus strand (C>T on the coding strand, the complement: POLR3H is on the minus strand). VCF-style: chr22-41544021-G-A. GRCh37 (hg19) VCF-style: chr22-41940025-G-A.
Other names: c.81C>T, p.Ala27= (NM_001018052.4, NM_001282884.2, NM_001282885.2 and 1 more transcripts).
Identifiers: ClinVar variation 4534573 (VCV004534573.6).